The following is an entry in ClinVar:

NM_020989.4(CRYGC):c.142C>T (p.Arg48Cys)

Genes: CRYGC (crystallin gamma C; minus strand), LOC100507443 (uncharacterized LOC100507443; plus strand). Cytogenetic location: 2q33.3.
Variant type: single nucleotide variant.
Coding change: c.142C>T on transcript NM_020989.4 (MANE Select); coding-DNA position 142, C replaced by T.
Protein change: p.Arg48Cys; replaces arginine 48 with cysteine.
Molecular consequence: missense variant.
Genome position (GRCh38, 1-based): chr2:208,129,551, G>A on the plus strand (C>T on the coding strand, the complement: CRYGC is on the minus strand). VCF-style: chr2-208129551-G-A. GRCh37 (hg19) VCF-style: chr2-208994275-G-A.
Other names: c.142C>T (NM_020989.3); short protein forms R48C.
Identifiers: ClinVar variation 2080946 (VCV002080946.5), dbSNP rs201568695, ClinGen allele CA2077939.

ClinVar aggregate classification (germline): Uncertain significance. Review status: criteria provided, multiple submitters, no conflicts (2 of 4 stars). 2 submissions from 2 submitters: Uncertain significance (2). Last evaluated 2025-11-03.

Conditions:
Nuclear pulverulent cataract (CTRCT2). Identifiers: MedGen C1852438, HP:0010698.
CRYGC-related disorder. Also called: CRYGC-related condition.

Allele frequency attached by ClinVar (database versions not stated): gnomAD exomes 0.00002; ExAC 0.00008; ESP Exome Variant Server 0.00008; gnomAD 0.00012; 1000 Genomes Project 30x 0.00016; TOPMed 0.00017; 1000 Genomes Project 0.00020.

Submissions (2):

Labcorp Genetics (formerly Invitae), Labcorp
Classification: Uncertain significance for Nuclear pulverulent cataract. Last evaluated: 2025-11-03. Review status: criteria provided, single submitter. Criteria: Invitae Variant Classification Sherloc (09022015). Collection method: clinical testing. Allele origin: germline.
Comment: This sequence change replaces arginine, which is basic and polar, with cysteine, which is neutral and slightly polar, at codon 48 of the CRYGC protein (p.Arg48Cys). This variant is present in population databases (rs201568695, gnomAD 0.03%). This missense change has been observed in individual(s) with congenital cataracts (PMID: 30450742). It has also been observed to segregate with disease in related individuals. ClinVar contains an entry for this variant (Variation ID: 2080946). An algorithm developed to predict the effect of missense changes on protein structure and function (PolyPhen-2) suggests that this variant is likely to be disruptive. In summary, the available evidence is currently insufficient to determine the role of this variant in disease. Therefore, it has been classified as a Variant of Uncertain Significance.

PreventionGenetics, part of Exact Sciences
Classification: Uncertain significance for CRYGC-related condition. Last evaluated: 2025-05-04. Review status: criteria provided, single submitter. Criteria: ACMG Guidelines, 2015. Collection method: clinical testing. Allele origin: germline.
Comment: The CRYGC c.142C>T variant is predicted to result in the amino acid substitution p.Arg48Cys. To our knowledge, this variant has not been reported in the literature. This variant is reported in 0.032% of alleles in individuals of African descent in gnomAD. At this time, the clinical significance of this variant is uncertain due to the absence of conclusive functional and genetic evidence.

Literature cited by the submitters: PubMed 30450742 (cited by Labcorp Genetics (formerly Invitae), Labcorp).